The following is an entry in ClinVar:

NM_020975.6(RET):c.418C>G (p.Pro140Ala)

Gene: RET (ret proto-oncogene; plus strand). Cytogenetic location: 10q11.21.
Variant type: single nucleotide variant.
Coding change: c.418C>G on transcript NM_020975.6 (MANE Select); coding-DNA position 418, C replaced by G.
Protein change: p.Pro140Ala; replaces proline 140 with alanine.
Molecular consequence: missense variant. On other transcripts: intron variant (22).
Genome position (GRCh38, 1-based): chr10:43,102,422, C>G. VCF-style: chr10-43102422-C-G. GRCh37 (hg19) VCF-style: chr10-43597870-C-G.
Other names: c.418C>G, p.Pro140Ala (NM_000323.2, NM_001406743.1, NM_001406744.1 and 16 more transcripts); c.338-49C>G (NM_001406764.1, NM_001406762.1, NM_001406761.1 and 4 more transcripts); c.337+1700C>G (NM_001406770.1, NM_001406766.1, NM_001406767.1 and 8 more transcripts); c.74-6609C>G (NM_001406784.1); c.74-9677C>G (NM_001406794.1, NM_001406792.1, NM_001406793.1); short protein forms P140A.
Identifiers: ClinVar variation 3071118 (VCV003071118.1), dbSNP rs2132679888, ClinGen allele CA376770785.
Genomic context (GRCh38, chr10:43,102,422, plus strand): 5'-ACCGTCTACCTCAAGGTCTTCCTGTCACCCACATCCCTTCGTGAGGGCGAGTGCCAGTGG[C>G]CAGGCTGTGCCCGCGTATACTTCTCCTTCTTCAACACCTCCTTTCCAGCCTGCAGCTCCC-3'
Protein context (NP_066124.1, residues 130-150): TSLREGECQW[Pro140Ala]GCARVYFSFF

ClinVar aggregate classification (germline): Uncertain significance (1 of 4 stars; one submission).

Conditions:
Multiple endocrine neoplasia, type 2 (MEN2). Identifiers: Orphanet 653, MedGen C4048306, MONDO:0019003. Disease mechanism: gain of function.

Submission:

All of Us Research Program, National Institutes of Health
Classification: Uncertain significance for Multiple endocrine neoplasia, type 2. Last evaluated: 2023-05-16. Review status: criteria provided, single submitter. Criteria: ACMG Guidelines, 2015. Collection method: clinical testing. Allele origin: germline. Inheritance: Autosomal dominant inheritance. Observed: 1 variant allele, 1 heterozygote.
Comment: This missense variant replaces proline with alanine at codon 140 of the RET protein. Computational prediction suggests that this variant may not impact protein structure and function (internally defined REVEL score threshold <= 0.5, PMID: 27666373). To our knowledge, functional studies have not been reported for this variant. This variant has not been reported in individuals affected with RET-related disorders in the literature. This variant has not been identified in the general population by the Genome Aggregation Database (gnomAD). The available evidence is insufficient to determine the role of this variant in disease conclusively. Therefore, this variant is classified as a Variant of Uncertain Significance.

This study involves interpretation of variants in research participants for the purpose of population health screening. Participant phenotype was not available at the time of variant classification. Additional details can be found in publication PMID: 35346344, PMCID: PMC8962531